The following is an entry in ClinVar:

ClinVar aggregate classification (germline): Uncertain significance (1 of 4 stars; one submission).

Submission:

Labcorp Genetics (formerly Invitae), Labcorp
Classification: Uncertain significance. Last evaluated: 2021-12-03. Review status: criteria provided, single submitter. Criteria: Invitae Variant Classification Sherloc (09022015). Collection method: clinical testing. Allele origin: germline.
Comment: This sequence change replaces histidine, which is basic and polar, with asparagine, which is neutral and polar, at codon 1146 of the TAF2 protein (p.His1146Asn). This variant is not present in population databases (gnomAD no frequency). This variant has not been reported in the literature in individuals affected with TAF2-related conditions. Algorithms developed to predict the effect of missense changes on protein structure and function are either unavailable or do not agree on the potential impact of this missense change (SIFT: "Tolerated"; PolyPhen-2: "Possibly Damaging"; Align-GVGD: "Class C0"). In summary, the available evidence is currently insufficient to determine the role of this variant in disease. Therefore, it has been classified as a Variant of Uncertain Significance.

NM_003184.4(TAF2):c.3436C>A (p.His1146Asn)

Gene: TAF2 (TATA-box binding protein associated factor 2; minus strand). Cytogenetic location: 8q24.12.
Variant type: single nucleotide variant.
Coding change: c.3436C>A on transcript NM_003184.4 (MANE Select); coding-DNA position 3436, C replaced by A.
Protein change: p.His1146Asn; replaces histidine 1146 with asparagine.
Molecular consequence: missense variant.
Genome position (GRCh38, 1-based): chr8:119,732,088, G>T on the plus strand (C>A on the coding strand, the complement: TAF2 is on the minus strand). VCF-style: chr8-119732088-G-T. GRCh37 (hg19) VCF-style: chr8-120744328-G-T.
Other names: short protein forms H1146N.
Identifiers: ClinVar variation 1383005 (VCV001383005.6), dbSNP rs2130960136, ClinGen allele CA371881996.